The following is an entry in ClinVar:

ClinVar aggregate classification (germline): Uncertain significance (1 of 4 stars; one submission).

Conditions:
Peroxisome biogenesis disorder 11A (Zellweger). Also called: Peroxisome biogenesis disorder 11A. Identifiers: Orphanet 912, MedGen C3554000, MONDO:0013949, OMIM 614883.

Submission:

Labcorp Genetics (formerly Invitae), Labcorp
Classification: Uncertain significance for Peroxisome biogenesis disorder 11A (Zellweger). Last evaluated: 2022-07-19. Review status: criteria provided, single submitter. Criteria: Invitae Variant Classification Sherloc (09022015). Collection method: clinical testing. Allele origin: germline.
Comment: In summary, the available evidence is currently insufficient to determine the role of this variant in disease. Therefore, it has been classified as a Variant of Uncertain Significance. Algorithms developed to predict the effect of sequence changes on RNA splicing suggest that this variant may create or strengthen a splice site. Algorithms developed to predict the effect of missense changes on protein structure and function (SIFT, PolyPhen-2, Align-GVGD) all suggest that this variant is likely to be tolerated. ClinVar contains an entry for this variant (Variation ID: 1507273). This variant has not been reported in the literature in individuals affected with PEX13-related conditions. This variant is not present in population databases (gnomAD no frequency). This sequence change replaces aspartic acid, which is acidic and polar, with glycine, which is neutral and non-polar, at codon 272 of the PEX13 protein (p.Asp272Gly).

NM_002618.4(PEX13):c.815A>G (p.Asp272Gly)

Gene: PEX13 (peroxisomal biogenesis factor 13; plus strand). Cytogenetic location: 2p15.
Variant type: single nucleotide variant.
Coding change: c.815A>G on transcript NM_002618.4 (MANE Select); coding-DNA position 815, A replaced by G.
Protein change: p.Asp272Gly; replaces aspartic acid 272 with glycine.
Molecular consequence: missense variant.
Genome position (GRCh38, 1-based): chr2:61,045,753, A>G. VCF-style: chr2-61045753-A-G. GRCh37 (hg19) VCF-style: chr2-61272888-A-G.
Other names: short protein forms D272G.
Identifiers: ClinVar variation 1507273 (VCV001507273.6), dbSNP rs2104812700, ClinGen allele CA346948231.